The following is an entry in ClinVar:

NM_001385012.1(NBEA):c.4988A>G (p.Asp1663Gly)

Gene: NBEA (neurobeachin; plus strand). Cytogenetic location: 13q13.3.
Variant type: single nucleotide variant.
Coding change: c.4988A>G on transcript NM_001385012.1 (MANE Select); coding-DNA position 4988, A replaced by G.
Protein change: p.Asp1663Gly; replaces aspartic acid 1663 with glycine.
Molecular consequence: missense variant.
Genome position (GRCh38, 1-based): chr13:35,195,924, A>G. VCF-style: chr13-35195924-A-G. GRCh37 (hg19) VCF-style: chr13-35770061-A-G.
Other names: c.4979A>G, p.Asp1660Gly (NM_001379245.1); c.4988A>G, p.Asp1663Gly (NM_015678.5); short protein forms D1660G, D1663G.
Identifiers: ClinVar variation 4919791 (VCV004919791.2).

ClinVar aggregate classification (germline): Likely benign. Review status: criteria provided, multiple submitters, no conflicts (2 of 4 stars). 2 submissions from 2 submitters: Likely benign (2). Last evaluated 2026-07-01.

gnomAD v4.1: 225 of 1,613,248 alleles (0.014%); highest among the groups gnomAD compares: Middle Eastern, 0.099%; no homozygotes.

Submissions (2):

CeGaT Center for Human Genetics Tuebingen
Classification: Likely benign. Last evaluated: 2026-07-01. Review status: criteria provided, single submitter. Criteria: CeGaT Center For Human Genetics Tuebingen Variant Classification Criteria Version 2. Collection method: clinical testing. Allele origin: germline. Affected: yes. Observed: 1 variant allele.
Comment: NBEA: BP4

Blueprint Genetics
Classification: Likely benign. Last evaluated: 2024-05-02. Review status: criteria provided, single submitter. Criteria: ACMG Guidelines, 2015. Collection method: clinical testing. Allele origin: germline.